The following is an entry in ClinVar:

ClinVar aggregate classification (germline): Likely benign (1 of 4 stars; one submission).

Conditions:
SLC9A6-related disorder. Also called: SLC9A6-related condition.

Submission:

PreventionGenetics, part of Exact Sciences
Classification: Likely benign for SLC9A6-related condition. Last evaluated: 2025-02-27. Review status: criteria provided, single submitter. Criteria: ACMG Guidelines, 2015. Collection method: clinical testing. Allele origin: germline.
Comment: This variant is classified as likely benign based on ACMG/AMP sequence variant interpretation guidelines (Richards et al. 2015 PMID: 25741868, with internal and published modifications).

NM_001379110.1(SLC9A6):c.1585G>A (p.Val529Ile)

Gene: SLC9A6 (solute carrier family 9 member A6; plus strand). Cytogenetic location: Xq26.3.
Variant type: single nucleotide variant.
Coding change: c.1585G>A on transcript NM_001379110.1 (MANE Select); coding-DNA position 1585, G replaced by A.
Protein change: p.Val529Ile; replaces valine 529 with isoleucine.
Molecular consequence: missense variant.
Genome position (GRCh38, 1-based): chrX:136,033,417, G>A. VCF-style: chrX-136033417-G-A. GRCh37 (hg19) VCF-style: chrX-135115576-G-A.
Other names: c.1651G>A, p.Val551Ile (NM_001042537.2); c.1495G>A, p.Val499Ile (NM_001177651.2, NM_001400909.1, NM_001400910.1 and 2 more transcripts); c.1399G>A, p.Val467Ile (NM_001330652.2, NM_001400913.1); c.1741G>A, p.Val581Ile (NM_001438742.1); c.1555G>A, p.Val519Ile (NM_006359.3); short protein forms V519I, V551I, V581I, V467I, V499I, V529I.
Identifiers: ClinVar variation 4986009 (VCV004986009.1).